The following is an entry in ClinVar:

ClinVar aggregate classification (germline): Benign. Review status: criteria provided, multiple submitters, no conflicts (2 of 4 stars). 2 submissions from 2 submitters: Benign (2). Last evaluated 2018-06-14.

Allele frequency attached by ClinVar (database versions not stated): gnomAD 0.02660 and 0.02868; 1000 Genomes Project 30x 0.04013; ExAC 0.09497; 1000 Genomes Project 0.15575.

Submissions (2):

GeneDx
Classification: Benign. Last evaluated: 2018-06-14. Review status: criteria provided, single submitter. Criteria: GeneDx Variant Classification (06012015). Collection method: clinical testing. Allele origin: germline. Affected: yes.
Comment: This variant is considered likely benign or benign based on one or more of the following criteria: it is a conservative change, it occurs at a poorly conserved position in the protein, it is predicted to be benign by multiple in silico algorithms, and/or has population frequency not consistent with disease.

Breakthrough Genomics
Classification: Benign. Review status: criteria provided, single submitter. Criteria: ACMG Guidelines, 2015. Collection method: not provided. Allele origin: germline. Inheritance: Autosomal recessive inheritance. Affected: yes.

NM_002474.3(MYH11):c.530+25G>T

Gene: MYH11 (myosin heavy chain 11; minus strand). Cytogenetic location: 16p13.11.
Variant type: single nucleotide variant.
Coding change: c.530+25G>T on transcript NM_002474.3 (MANE Select); 25 bases into the intron after coding-DNA position 530, G replaced by T.
Molecular consequence: intron variant.
Genome position (GRCh38, 1-based): chr16:15,798,635, C>A on the plus strand (G>T on the coding strand, the complement: MYH11 is on the minus strand). VCF-style: chr16-15798635-C-A. GRCh37 (hg19) VCF-style: chr16-15892492-C-A.
Other names: c.530+25G>T (NM_022844.3, NM_001040114.2, NM_001040113.2).
Identifiers: ClinVar variation 673584 (VCV000673584.2), dbSNP rs74009432, ClinGen allele CA7923001.